The following is an entry in ClinVar:

ClinVar aggregate classification (germline): Uncertain significance (1 of 4 stars; one submission).

gnomAD v4.1: 2 of 1,614,190 alleles (0.00012%); highest among the groups gnomAD compares: Middle Eastern, 0.033%; no homozygotes.

Submission:

CeGaT Center for Human Genetics Tuebingen
Classification: Uncertain significance. Last evaluated: 2024-12-01. Review status: criteria provided, single submitter. Criteria: CeGaT Center For Human Genetics Tuebingen Variant Classification Criteria Version 2. Collection method: clinical testing. Allele origin: germline. Affected: yes. Observed: 1 variant allele.
Comment: SPECC1L: PM2

NM_015330.6(SPECC1L):c.2332T>A (p.Leu778Ile)

Genes: SPECC1L (sperm antigen with calponin homology and coiled-coil domains 1 like; plus strand), SPECC1L-ADORA2A (SPECC1L-ADORA2A readthrough (NMD candidate); plus strand). Cytogenetic location: 22q11.23.
Variant type: single nucleotide variant.
Coding change: c.2332T>A on transcript NM_015330.6 (MANE Select); coding-DNA position 2332, T replaced by A.
Protein change: p.Leu778Ile; replaces leucine 778 with isoleucine.
Molecular consequence: missense variant. On other transcripts: non-coding transcript variant (1).
Genome position (GRCh38, 1-based): chr22:24,330,367, T>A. VCF-style: chr22-24330367-T-A. GRCh37 (hg19) VCF-style: chr22-24726335-T-A.
Other names: c.2332T>A, p.Leu778Ile (NM_001145468.4, NM_001254732.3); short protein forms L778I.
Identifiers: ClinVar variation 3770424 (VCV003770424.13).